The following is an entry in ClinVar:

ClinVar aggregate classification (germline): Uncertain significance (1 of 4 stars; one submission).

Conditions:
Inborn genetic diseases. Identifiers: MedGen C0950123, MeSH D030342.

gnomAD v4.1: 1 of 1,610,184 alleles (0.000062%); highest among the groups gnomAD compares: Non-Finnish European, 0.000085%; no homozygotes.

Submission:

Ambry Genetics
Classification: Uncertain significance for Inborn genetic diseases. Last evaluated: 2025-03-14. Review status: criteria provided, single submitter. Criteria: Ambry Variant Classification Scheme 2023. Collection method: clinical testing. Allele origin: germline.
Comment: The p.H524Q variant (also known as c.1572T>G), located in coding exon 16 of the ANKRD26 gene, results from a T to G substitution at nucleotide position 1572. The histidine at codon 524 is replaced by glutamine, an amino acid with highly similar properties. This amino acid position is conserved. In addition, this alteration is predicted to be tolerated by in silico analysis. Based on the available evidence, the clinical significance of this variant remains unclear.

NM_014915.3(ANKRD26):c.1572T>G (p.His524Gln)

Gene: ANKRD26 (ankyrin repeat domain containing 26; minus strand). Cytogenetic location: 10p12.1.
Variant type: single nucleotide variant.
Coding change: c.1572T>G on transcript NM_014915.3 (MANE Select); coding-DNA position 1572, T replaced by G.
Protein change: p.His524Gln; replaces histidine 524 with glutamine.
Molecular consequence: missense variant.
Genome position (GRCh38, 1-based): chr10:27,053,383, A>C on the plus strand (T>G on the coding strand, the complement: ANKRD26 is on the minus strand). VCF-style: chr10-27053383-A-C. GRCh37 (hg19) VCF-style: chr10-27342312-A-C.
Other names: c.1572T>G, p.His524Gln (NM_001256053.2); short protein forms H524Q.
Identifiers: ClinVar variation 3872220 (VCV003872220.1).